The following is an entry in ClinVar:

NM_001184880.2(PCDH19):c.2675+2T>C

Gene: PCDH19 (protocadherin 19; minus strand). Cytogenetic location: Xq22.1.
Variant type: single nucleotide variant.
Coding change: c.2675+2T>C on transcript NM_001184880.2 (MANE Select); the canonical splice donor site of the intron after coding-DNA position 2675, T replaced by C.
Molecular consequence: splice donor variant.
Genome position (GRCh38, 1-based): chrX:100,350,644, A>G on the plus strand (T>C on the coding strand, the complement: PCDH19 is on the minus strand). VCF-style: chrX-100350644-A-G. GRCh37 (hg19) VCF-style: chrX-99605642-A-G.
Other names: c.2534+2T>C (NM_020766.3, NM_001105243.2).
Identifiers: ClinVar variation 2152349 (VCV002152349.5), dbSNP rs2520722271, ClinGen allele CA414001013.

ClinVar aggregate classification (germline): Pathogenic. Review status: criteria provided, multiple submitters, no conflicts (2 of 4 stars). 2 submissions from 2 submitters: Pathogenic (2). Last evaluated 2025-01-15.

Conditions:
Developmental and epileptic encephalopathy, 9 (DEE9). Also called: JUBERG-HELLMAN SYNDROME; Early infantile epileptic encephalopathy 9; EPILEPSY, FEMALE-RESTRICTED, WITH MENTAL RETARDATION; PCDH19-Related X-Linked Female-Limited Epilepsy with Mental Retardation. Identifiers: Orphanet 101039, Orphanet 2076, MedGen C1848137, MONDO:0010246, OMIM 300088. Disease mechanism: loss of function.

Submissions (2):

Labcorp Genetics (formerly Invitae), Labcorp
Classification: Pathogenic for Developmental and epileptic encephalopathy, 9. Last evaluated: 2025-01-15. Review status: criteria provided, single submitter. Criteria: Invitae Variant Classification Sherloc (09022015). Collection method: clinical testing. Allele origin: germline.
Comment: This sequence change affects a donor splice site in intron 4 of the PCDH19 gene. It is expected to disrupt RNA splicing. Variants that disrupt the donor or acceptor splice site typically lead to a loss of protein function (PMID: 16199547), and loss-of-function variants in PCDH19 are known to be pathogenic (PMID: 21053371). This variant is not present in population databases (gnomAD no frequency). Disruption of this splice site has been observed in individuals with clinical features of PCDH19-related conditions (PMID: 27179713, 28837158; internal data). This variant is also known as c.2534+2T>C. ClinVar contains an entry for this variant (Variation ID: 2152349). Algorithms developed to predict the effect of sequence changes on RNA splicing suggest that this variant may disrupt the consensus splice site. For these reasons, this variant has been classified as Pathogenic.

GeneDx
Classification: Pathogenic. Last evaluated: 2024-06-04. Review status: criteria provided, single submitter. Criteria: GeneDx Variant Classification Process June 2021. Collection method: clinical testing. Allele origin: germline. Affected: yes.
Comment: Canonical splice site variant predicted to result in a null allele in a gene for which loss of function is a known mechanism of disease; Not observed at significant frequency in large population cohorts (gnomAD); This variant is associated with the following publications: (PMID: 28837158)

Literature cited by the submitters: PubMed 16199547 (cited by Labcorp Genetics (formerly Invitae), Labcorp); PubMed 21053371 (cited by Labcorp Genetics (formerly Invitae), Labcorp); PubMed 27179713 (cited by Labcorp Genetics (formerly Invitae), Labcorp); PubMed 28837158 (cited by Labcorp Genetics (formerly Invitae), Labcorp).